The following is an entry in ClinVar:

NM_001375380.1(EBF3):c.89G>A (p.Trp30Ter)

Gene: EBF3 (EBF transcription factor 3; minus strand). Cytogenetic location: 10q26.3.
Variant type: single nucleotide variant.
Coding change: c.89G>A on transcript NM_001375380.1 (MANE Select); coding-DNA position 89, G replaced by A.
Protein change: p.Trp30Ter; replaces tryptophan 30 with a stop codon.
Molecular consequence: nonsense.
Genome position (GRCh38, 1-based): chr10:129,963,680, C>T on the plus strand (G>A on the coding strand, the complement: EBF3 is on the minus strand). VCF-style: chr10-129963680-C-T. GRCh37 (hg19) VCF-style: chr10-131761944-C-T.
Other names: c.89G>A, p.Trp30Ter (NM_001375392.1, NM_001005463.3, NM_001375379.1 and 3 more transcripts); short protein forms W30*.
Identifiers: ClinVar variation 1179936 (VCV001179936.2), dbSNP rs2134662046, ClinGen allele CA378911553.

ClinVar aggregate classification (germline): Pathogenic (1 of 4 stars; one submission).

Submission:

GeneDx
Classification: Pathogenic. Last evaluated: 2020-04-07. Review status: criteria provided, single submitter. Criteria: GeneDx Variant Classification Process June 2021. Collection method: clinical testing. Allele origin: germline. Affected: yes.
Comment: Nonsense variant predicted to result in protein truncation or nonsense mediated decay in a gene for which loss-of-function is a known mechanism of disease; Not observed in large population cohorts (Lek et al., 2016); Has not been previously published as pathogenic or benign to our knowledge